The following is an entry in ClinVar:

NM_000937.5(POLR2A):c.537+8G>A

Gene: POLR2A (RNA polymerase II subunit A; plus strand). Cytogenetic location: 17p13.1.
Variant type: single nucleotide variant.
Coding change: c.537+8G>A on transcript NM_000937.5 (MANE Select); 8 bases into the intron after coding-DNA position 537, G replaced by A.
Molecular consequence: intron variant.
Genome position (GRCh38, 1-based): chr17:7,496,621, G>A. VCF-style: chr17-7496621-G-A. GRCh37 (hg19) VCF-style: chr17-7399940-G-A.
Identifiers: ClinVar variation 4820825 (VCV004820825.4).

ClinVar aggregate classification (germline): Likely benign (1 of 4 stars; one submission).

Submission:

CeGaT Center for Human Genetics Tuebingen
Classification: Likely benign. Last evaluated: 2026-02-01. Review status: criteria provided, single submitter. Criteria: CeGaT Center For Human Genetics Tuebingen Variant Classification Criteria Version 2. Collection method: clinical testing. Allele origin: germline. Affected: yes. Observed: 1 variant allele.
Comment: POLR2A: BP4, BS1